The following is an entry in ClinVar:

NC_012920.1(MT-CYB):m.15061A>G

Gene: MT-CYB (mitochondrially encoded cytochrome b; plus strand).
Variant type: single nucleotide variant.
Genome position: chrM-15061-A-G.
Identifiers: ClinVar variation 143921 (VCV000143921.4), dbSNP rs527236205, ClinGen allele CA170535.

ClinVar aggregate classification (germline): Likely benign. Review status: criteria provided, multiple submitters, no conflicts (2 of 4 stars). 3 submissions from 3 submitters: Likely benign (2). 1 of the submissions does not count toward it. Last evaluated 2025-02-16.

Conditions:
Ovarian neoplasm. Also called: Ovarian tumor; Ovarian Neoplasms; Neoplasm of ovary. Identifiers: MedGen C0919267, MeSH D010051, MONDO:0021068, HP:0100615.

Submissions (3):

Laboratory of Genetics, Children's Clinical University Hospital Latvia
Classification: Likely benign. Last evaluated: 2025-02-16. Review status: criteria provided, single submitter. Criteria: ACMG Guidelines, 2015. Collection method: clinical testing. Allele origin: germline. Affected: yes.

Ophthalmic Genetics Group, Institute of Molecular and Clinical Ophthalmology Basel
Classification: Likely benign for Neoplasm of ovary. Last evaluated: 2023-08-29. Review status: criteria provided, single submitter. Criteria: ACMG Guidelines, 2015. Collection method: curation. Allele origin: unknown.
Comment: Clinical significance based on ACMG v2.0

This variant was classified as Benign based on ACMG criteria: BA1.

Department of Zoology Govt. MVM College
Classification: Likely pathogenic for Neoplasm of ovary. Review status: no assertion criteria provided. Collection method: not provided. Allele origin: unknown. Not counted in ClinVar's aggregate classification.
Comment: KM276981;KM276994;KM276997
ClinVar note: Converted during submission from probable-pathogenic to Likely pathogenic.